The following is an entry in ClinVar:

NM_001174089.2(SLC4A11):c.515G>C (p.Arg172Pro)

Gene: SLC4A11 (solute carrier family 4 member 11; minus strand). Cytogenetic location: 20p13.
Variant type: single nucleotide variant.
Coding change: c.515G>C on transcript NM_001174089.2 (MANE Select); coding-DNA position 515, G replaced by C.
Protein change: p.Arg172Pro; replaces arginine 172 with proline.
Molecular consequence: missense variant. On other transcripts: non-coding transcript variant (3).
Genome position (GRCh38, 1-based): chr20:3,234,091, C>G on the plus strand (G>C on the coding strand, the complement: SLC4A11 is on the minus strand). VCF-style: chr20-3234091-C-G. GRCh37 (hg19) VCF-style: chr20-3214737-C-G.
Other names: c.644G>C, p.Arg215Pro (NM_001174090.2, NM_001400280.1); c.515G>C, p.Arg172Pro (NM_001363745.2); c.458G>C, p.Arg153Pro (NM_001400277.1, NM_001400278.1, NM_001400279.1); c.563G>C, p.Arg188Pro (NM_032034.4); short protein forms R153P, R215P, R172P, R188P.
Identifiers: ClinVar variation 4980439 (VCV004980439.1).

ClinVar aggregate classification (germline): Uncertain significance (1 of 4 stars; one submission).

Conditions:
SLC4A11-related disorder. Also called: SLC4A11-related condition.

gnomAD v4.1: 232 of 1,613,946 alleles (0.014%); highest among the groups gnomAD compares: Non-Finnish European, 0.018%; no homozygotes.

Submission:

PreventionGenetics, part of Exact Sciences
Classification: Uncertain significance for SLC4A11-related condition. Last evaluated: 2026-03-28. Review status: criteria provided, single submitter. Criteria: ACMG Guidelines, 2015. Collection method: clinical testing. Allele origin: germline.
Comment: The SLC4A11 c.563G>C variant is predicted to result in the amino acid substitution p.Arg188Pro. To our knowledge, this variant has not been reported in the literature. This variant is reported in 0.022% of alleles in individuals of European (Non-Finnish) descent in gnomAD. At this time, the clinical significance of this variant is uncertain due to the absence of conclusive functional and genetic evidence.